The following is an entry in ClinVar:

ClinVar aggregate classification (germline): Uncertain significance. Review status: criteria provided, multiple submitters, no conflicts (2 of 4 stars). 2 submissions from 2 submitters: Uncertain significance (2). Last evaluated 2025-12-08.

Conditions:
Immunodeficiency 57. Also called: IMMUNODEFICIENCY 57 WITH AUTOINFLAMMATION. Identifiers: MedGen C4748212, MONDO:0020849, OMIM 618108.

Submissions (2):

3billion
Classification: Uncertain significance for Immunodeficiency 57. Last evaluated: 2025-12-08. Review status: criteria provided, single submitter. Criteria: ACMG Guidelines, 2015. Collection method: clinical testing. Allele origin: germline. Affected: yes.
Comment: The variant is not observed in the gnomAD v4.1.0 dataset. Predicted Consequence/Location: Intron variant In silico tools predict the variant to alter splicing and produce an abnormal transcript [SpliceAI: 0.63 (>=0.2, moderate evidence for spliceogenicity)]. The variant has been reported as of uncertain significance (ClinVar ID: VCV003722138). Therefore, this variant is classified as VUS according to the recommendation of ACMG/AMP guideline.

Labcorp Genetics (formerly Invitae), Labcorp
Classification: Uncertain significance. Last evaluated: 2024-10-03. Review status: criteria provided, single submitter. Criteria: Invitae Variant Classification Sherloc (09022015). Collection method: clinical testing. Allele origin: germline.
Comment: This sequence change falls in intron 4 of the RIPK1 gene. It does not directly change the encoded amino acid sequence of the RIPK1 protein. This variant is not present in population databases (gnomAD no frequency). This variant has not been reported in the literature in individuals affected with RIPK1-related conditions. Algorithms developed to predict the effect of sequence changes on RNA splicing suggest that this variant may disrupt the consensus splice site. In summary, the available evidence is currently insufficient to determine the role of this variant in disease. Therefore, it has been classified as a Variant of Uncertain Significance.

NM_001354930.2(RIPK1):c.460-5C>A

Gene: RIPK1 (receptor interacting serine/threonine kinase 1; plus strand). Cytogenetic location: 6p25.2.
Variant type: single nucleotide variant.
Coding change: c.460-5C>A on transcript NM_001354930.2 (MANE Select); 5 bases into the intron before coding-DNA position 460, C replaced by A.
Molecular consequence: intron variant.
Genome position (GRCh38, 1-based): chr6:3,083,080, C>A. VCF-style: chr6-3083080-C-A. GRCh37 (hg19) VCF-style: chr6-3083314-C-A.
Other names: c.-30-5C>A (NM_001317061.3, NM_001354932.2, NM_001354934.2 and 1 more transcripts); c.460-5C>A (NM_003804.6); c.322-5C>A (NM_001354931.2).
Identifiers: ClinVar variation 3722138 (VCV003722138.3).